The following is an entry in ClinVar:

ClinVar aggregate classification (germline): Uncertain significance (1 of 4 stars; one submission).

gnomAD v4.1: 5 of 1,613,830 alleles (0.00031%); highest among the groups gnomAD compares: Non-Finnish European, 0.00042%; no homozygotes.

Submission:

Ambry Genetics
Classification: Uncertain significance. Last evaluated: 2025-03-15. Review status: criteria provided, single submitter. Criteria: Ambry Variant Classification Scheme 2023. Collection method: clinical testing. Allele origin: germline.
Comment: The p.N97S variant (also known as c.290A>G), located in coding exon 2 of the ATRIP gene, results from an A to G substitution at nucleotide position 290. The asparagine at codon 97 is replaced by serine, an amino acid with highly similar properties. This amino acid position is conserved. In addition, this alteration is predicted to be tolerated by in silico analysis. Based on the available evidence, the clinical significance of this variant remains unclear.

NM_130384.3(ATRIP):c.290A>G (p.Asn97Ser)

Genes: ATRIP (ATR interacting protein; plus strand), ATRIP-TREX1 (ATRIP-TREX1 readthrough; plus strand). Cytogenetic location: 3p21.31.
Variant type: single nucleotide variant.
Coding change: c.290A>G on transcript NM_130384.3 (MANE Select); coding-DNA position 290, A replaced by G.
Protein change: p.Asn97Ser; replaces asparagine 97 with serine.
Molecular consequence: missense variant. On other transcripts: non-coding transcript variant (1), 5 prime UTR variant (1).
Genome position (GRCh38, 1-based): chr3:48,450,079, A>G. VCF-style: chr3-48450079-A-G. GRCh37 (hg19) VCF-style: chr3-48491485-A-G.
Other names: c.-175A>G (NM_001271022.2); c.11A>G, p.Asn4Ser (NM_001271023.2); c.290A>G, p.Asn97Ser (NM_032166.4); short protein forms N4S, N97S.
Identifiers: ClinVar variation 3975533 (VCV003975533.1).